The following is an entry in ClinVar:

NM_012193.4(FZD4):c.730G>A (p.Asp244Asn)

Genes: FZD4 (frizzled class receptor 4; minus strand), PRSS23 (serine protease 23; plus strand). Cytogenetic location: 11q14.2.
Variant type: single nucleotide variant.
Coding change: c.730G>A on transcript NM_012193.4 (MANE Select); coding-DNA position 730, G replaced by A.
Protein change: p.Asp244Asn; replaces aspartic acid 244 with asparagine.
Molecular consequence: missense variant. On other transcripts: non-coding transcript variant (2).
Genome position (GRCh38, 1-based): chr11:86,952,026, C>T on the plus strand (G>A on the coding strand, the complement: FZD4 is on the minus strand). VCF-style: chr11-86952026-C-T. GRCh37 (hg19) VCF-style: chr11-86663068-C-T.
Other names: short protein forms D244N.
Identifiers: ClinVar variation 3006957 (VCV003006957.3), dbSNP rs766074842, ClinGen allele CA6218422.

ClinVar aggregate classification (germline): Uncertain significance (1 of 4 stars; one submission).

Allele frequency attached by ClinVar (database versions not stated): TOPMed below 0.00001; ExAC 0.00001; gnomAD 0.00001.
gnomAD v4.1: 3 of 1,613,848 alleles (0.00019%); highest among the groups gnomAD compares: African/African-American, 0.0027%; no homozygotes.

Submission:

Labcorp Genetics (formerly Invitae), Labcorp
Classification: Uncertain significance. Last evaluated: 2025-02-15. Review status: criteria provided, single submitter. Criteria: Invitae Variant Classification Sherloc (09022015). Collection method: clinical testing. Allele origin: germline.
Comment: This sequence change replaces aspartic acid, which is acidic and polar, with asparagine, which is neutral and polar, at codon 244 of the FZD4 protein (p.Asp244Asn). This variant is present in population databases (rs766074842, gnomAD 0.008%). This variant has not been reported in the literature in individuals affected with FZD4-related conditions. ClinVar contains an entry for this variant (Variation ID: 3006957). Invitae Evidence Modeling of protein sequence and biophysical properties (such as structural, functional, and spatial information, amino acid conservation, physicochemical variation, residue mobility, and thermodynamic stability) indicates that this missense variant is not expected to disrupt FZD4 protein function with a negative predictive value of 80%. In summary, the available evidence is currently insufficient to determine the role of this variant in disease. Therefore, it has been classified as a Variant of Uncertain Significance.